The following is an entry in ClinVar:

NM_000368.5(TSC1):c.1327G>A (p.Gly443Arg)

Gene: TSC1 (TSC complex subunit 1; minus strand). Cytogenetic location: 9q34.13.
Variant type: single nucleotide variant.
Coding change: c.1327G>A on transcript NM_000368.5 (MANE Select); coding-DNA position 1327, G replaced by A.
Protein change: p.Gly443Arg; replaces glycine 443 with arginine.
Molecular consequence: missense variant.
Genome position (GRCh38, 1-based): chr9:132,907,307, C>T on the plus strand (G>A on the coding strand, the complement: TSC1 is on the minus strand). VCF-style: chr9-132907307-C-T. GRCh37 (hg19) VCF-style: chr9-135782694-C-T.
Other names: c.1324G>A, p.Gly442Arg (NM_001162426.2); c.1174G>A, p.Gly392Arg (NM_001162427.2); c.964G>A, p.Gly322Arg (NM_001362177.2); short protein forms G392R, G322R, G442R, G443R.
Identifiers: ClinVar variation 864569 (VCV000864569.18), dbSNP rs760470520, ClinGen allele CA028063.

ClinVar aggregate classification (germline): Conflicting classifications of pathogenicity. Review status: criteria provided, conflicting classifications (1 of 4 stars). 6 submissions from 6 submitters: Uncertain significance (4); Likely benign (2). Last evaluated 2025-11-09.

Conditions:
Tuberous sclerosis 1 (TSC1). Identifiers: Orphanet 805, MedGen C1854465, MONDO:0008612, OMIM 191100.
Hereditary cancer-predisposing syndrome. Also called: Neoplastic Syndromes, Hereditary; Hereditary neoplastic syndrome; Tumor predisposition; Hereditary Cancer Syndrome. Identifiers: Orphanet 140162, MedGen C0027672, MeSH D009386, MONDO:0015356.
Intellectual disability. Also called: Intellectual developmental disorder; Intellectual functioning disability; intellectual disabilities. Identifiers: MedGen C3714756, MeSH D008607, MONDO:0001071, HP:0001249.

Allele frequency attached by ClinVar (database versions not stated): gnomAD exomes below 0.00001; ExAC 0.00001.
gnomAD v4.1: 2 of 1,613,716 alleles (0.00012%); highest among the groups gnomAD compares: Non-Finnish European, 0.00017%; no homozygotes.

Submissions (6):

Labcorp Genetics (formerly Invitae), Labcorp
Classification: Likely benign for Tuberous sclerosis 1. Last evaluated: 2025-11-09. Review status: criteria provided, single submitter. Criteria: Invitae Variant Classification Sherloc (09022015). Collection method: clinical testing. Allele origin: germline.

Ambry Genetics
Classification: Uncertain significance for Hereditary cancer-predisposing syndrome. Last evaluated: 2024-05-16. Review status: criteria provided, single submitter. Criteria: Ambry Variant Classification Scheme 2023. Collection method: clinical testing. Allele origin: germline.
Comment: The p.G443R variant (also known as c.1327G>A), located in coding exon 11 of the TSC1 gene, results from a G to A substitution at nucleotide position 1327. The glycine at codon 443 is replaced by arginine, an amino acid with dissimilar properties. This amino acid position is conserved. In addition, the in silico prediction for this alteration is inconclusive. Based on the available evidence, the clinical significance of this variant remains unclear.

GeneDx
Classification: Uncertain significance. Last evaluated: 2022-05-08. Review status: criteria provided, single submitter. Criteria: GeneDx Variant Classification Process June 2021. Collection method: clinical testing. Allele origin: germline. Affected: yes.
Comment: In silico analysis supports that this missense variant does not alter protein structure/function; Has not been previously published as pathogenic or benign to our knowledge

Genome-Nilou Lab
Classification: Uncertain significance for Tuberous sclerosis 1. Last evaluated: 2021-11-07. Review status: criteria provided, single submitter. Criteria: ACMG Guidelines, 2015. Collection method: clinical testing. Allele origin: germline. Affected: no.

Institute for Clinical Genetics, University Hospital TU Dresden, University Hospital TU Dresden
Classification: Uncertain significance. Last evaluated: 2021-11-03. Review status: criteria provided, single submitter. Criteria: ACMG Guidelines, 2015. Collection method: clinical testing. Allele origin: germline.

Cambridge Genomics Laboratory, East Genomic Laboratory Hub, NHS Genomic Medicine Service
Classification: Likely benign for Intellectual disability. Last evaluated: 2020-04-29. Review status: criteria provided, single submitter. Criteria: ACGS Best Practice Guidelines for Variant Classification in Rare Disease 2020. Collection method: clinical testing. Allele origin: germline. Affected: yes. Observed: 1 variant allele.